The following is an entry in ClinVar:

ClinVar aggregate classification (germline): Benign. Review status: criteria provided, multiple submitters, no conflicts (2 of 4 stars). 3 submissions from 3 submitters: Benign (3). Last evaluated 2023-11-12.

Allele frequency attached by ClinVar (database versions not stated): 1000 Genomes Project 0.63838; 1000 Genomes Project 30x 0.64163; gnomAD exomes 0.70748 and 0.74716; TOPMed 0.70807; ExAC 0.71090; gnomAD 0.72495 and 0.73131; ESP Exome Variant Server 0.74020.
gnomAD v4.1: 1,200,592 of 1,613,646 alleles (74%); highest among the groups gnomAD compares: Non-Finnish European, 77%; 450,717 homozygotes.

Submissions (3):

Unidad de Genómica Garrahan, Hospital de Pediatría Garrahan
Classification: Benign. Last evaluated: 2023-11-12. Review status: criteria provided, single submitter. Criteria: ACMG Guidelines, 2015. Collection method: clinical testing. Allele origin: germline. Affected: no. Observed: 83 variant alleles.
Comment: This variant is classified as Benign based on local population frequency. This variant was detected in 86% of patients studied by a panel of primary immunodeficiencies. Number of patients: 83. Only high quality variants are reported.

GeneDx
Classification: Benign. Last evaluated: 2018-06-23. Review status: criteria provided, single submitter. Criteria: GeneDx Variant Classification Process June 2021. Collection method: clinical testing. Allele origin: germline. Affected: yes.

Breakthrough Genomics
Classification: Benign. Review status: criteria provided, single submitter. Criteria: ACMG Guidelines, 2015. Collection method: not provided. Allele origin: germline. Inheritance: Unknown mechanism. Affected: yes.

NM_024782.3(NHEJ1):c.*40C>T

Gene: NHEJ1 (non-homologous end joining factor 1; minus strand). Cytogenetic location: 2q35.
Variant type: single nucleotide variant.
Coding change: c.*40C>T on transcript NM_024782.3 (MANE Select); 40 bases downstream of the stop codon, C replaced by T.
Molecular consequence: 3 prime UTR variant. On other transcripts: non-coding transcript variant (1).
Genome position (GRCh38, 1-based): chr2:219,076,341, G>A on the plus strand (C>T on the coding strand, the complement: NHEJ1 is on the minus strand). VCF-style: chr2-219076341-G-A. GRCh37 (hg19) VCF-style: chr2-219941063-G-A.
Other names: c.*40C>T (NM_001377498.1, NM_001377499.1).
Identifiers: ClinVar variation 1268786 (VCV001268786.4), dbSNP rs897477, ClinGen allele CA2116807.